The following is an entry in ClinVar:

NM_005343.4(HRAS):c.38G>A (p.Gly13Asp)

Genes: HRAS (HRas proto-oncogene, GTPase; minus strand), LRRC56 (leucine rich repeat containing 56; plus strand). Cytogenetic location: 11p15.5.
Variant type: single nucleotide variant.
Coding change: c.38G>A on transcript NM_005343.4 (MANE Select); coding-DNA position 38, G replaced by A.
Protein change: p.Gly13Asp; replaces glycine 13 with aspartic acid.
Molecular consequence: missense variant. On other transcripts: 5 prime UTR variant (1).
Genome position (GRCh38, 1-based): chr11:534,285, C>T on the plus strand (G>A on the coding strand, the complement: HRAS is on the minus strand). VCF-style: chr11-534285-C-T. GRCh37 (hg19) VCF-style: chr11-534285-C-T.
Other names: p.G13D:GGT>GAT; c.38G>A, p.Gly13Asp (NM_001130442.3, NM_176795.5); c.-282G>A (NM_001318054.2); c.38G>A (NM_005343.3, NM_001130442.1); short protein forms G13D.
Identifiers: ClinVar variation 12604 (VCV000012604.73), dbSNP rs104894226, ClinGen allele CA256488.

ClinVar aggregate classification (germline): Pathogenic. Review status: criteria provided, multiple submitters, no conflicts (2 of 4 stars). 18 submissions from 18 submitters: Pathogenic (16). 2 of the submissions do not count toward it. Last evaluated 2025-10-01.
ClinVar aggregate classification (somatic clinical impact): Tier I - Strong (1 of 4 stars; one submission).
ClinVar aggregate classification (oncogenicity): Oncogenic (1 of 4 stars; one submission).

Conditions:
HRAS-related disorder. Also called: HRAS-related condition.
Noonan syndrome and Noonan-related syndrome. Identifiers: Orphanet 98733, MedGen C5681679, MONDO:0020297.
Epidermal nevus. Also called: NEVUS, KERATINOCYTIC, NONEPIDERMOLYTIC; Nevus, epidermal, somatic. Identifiers: Orphanet 79414, MedGen C0334082, MONDO:0008093, OMIM 162900, HP:0010816.
Malignant tumor of urinary bladder. Also called: Urinary Bladder Neoplasms; Bladder cancer; Urinary bladder cancer. Identifiers: MedGen C0005684, MONDO:0001187, OMIM 109800.
Thyroid cancer, nonmedullary, 2 (NMTC2). Also called: Thyroid carcinoma, follicular, somatic; THYROID CANCER, NONMEDULLARY, 2, SUSCEPTIBILITY TO; THYROID CARCINOMA, FOLLICULAR. Identifiers: MedGen C4225426, MONDO:0008566, OMIM 188470.
Linear nevus sebaceous syndrome. Also called: JADASSOHN NEVUS PHAKOMATOSIS; NEVUS SEBACEUS OF JADASSOHN; Linear nevus sebaceous; Linear sebaceous nevus sequence; ORGANOID NEVUS PHAKOMATOSIS; SFM SYNDROME. Identifiers: Orphanet 2612, MedGen C4552097, MONDO:0008097, OMIM 163200, HP:0010817.
Large congenital melanocytic nevus (CMNS). Also called: Giant congenital nevus; PIGMENTED MOLES; Giant hairy nevus; Bathing trunk nevus; Congenital giant pigmented nevus; MELANOCYTIC NEVUS SYNDROME, CONGENITAL, SOMATIC. Identifiers: Orphanet 626, MedGen C1842036, MONDO:0044792, OMIM 137550, HP:0005600.
Costello syndrome (CSTLO). Also called: FCS SYNDROME; FACIOCUTANEOSKELETAL SYNDROME; HRAS-Related Costello Syndrome. Identifiers: Orphanet 3071, MedGen C0587248, MONDO:0009026, OMIM 218040.
RASopathy. Also called: Noonan spectrum disorder; rasopathies. Identifiers: Orphanet 536391, MedGen C5555857, MONDO:0021060.
Non-immune hydrops fetalis (NIHF). Also called: Fetal edema; Idiopathic hydrops fetalis; Familial non-immune hydrops fetalis. Identifiers: Orphanet 363999, MedGen C0455988, MONDO:0009369, OMIM 236750, HP:0001790.
Embryonal rhabdomyosarcoma (ERMS). Also called: Botryoid rhabdomyosarcoma (type of ERMS); Spindle cell rhabdomyosarcomas (type of ERMS). Identifiers: Orphanet 99757, MedGen C0206656, MONDO:0009993, HP:0006743.
Neoplasm. Also called: tumor; Neoplasms; Neoplasm (disease). Identifiers: MedGen C0027651, MeSH D009369, MONDO:0005070, HP:0002664.

Submissions 1 to 6 of 23:

Center for Genomic Medicine, Rigshospitalet, Copenhagen University Hospital
Classification: Oncogenic for Neoplasm. Last evaluated: 2026-10-16. Review status: criteria provided, single submitter. Criteria: ClinGen/CGC/VICC Guidelines for Oncogenicity, 2022. Collection method: clinical testing. Allele origin: somatic. Affected: yes.

Variantyx, Inc.
Classification: Pathogenic for Costello syndrome. Last evaluated: 2025-10-01. Review status: criteria provided, single submitter. Criteria: Variantyx Assertion Criteria 2022. Collection method: clinical testing. Allele origin: de novo. Inheritance: Autosomal dominant inheritance. Affected: yes.
Comment: This is a nonsynonymous variant in the HRAS gene (OMIM: 190020). Pathogenic variants in this gene have been associated with autosomal dominant Costello syndrome. It has been reported in several unrelated affected individuals (PMID: 28371260, 16170316, 17726614, 17765343) (PS4). Functional studies have shown that this variant alters HRAS protein function (PMID: 21850009) (PS3) and multiple computational algorithms predict a deleterious effect for this variant (REVEL score: 0.736) (PP3) Moreoever, an alternate amino acid change at this position (c.38G>T (p.Gly13Val)) has been previously reported in affected individuals (PMID: 32732226, 34958143) (PM5). This variant is absent from control populations (PM2). Based on the evidence, this variant is classified as pathogenic for autosomal dominant Costello syndrome.

Victorian Clinical Genetics Services, Murdoch Childrens Research Institute
Classification: Pathogenic for Costello syndrome. Last evaluated: 2025-08-28. Review status: criteria provided, single submitter. Criteria: ACMG Guidelines, 2015. Collection method: clinical testing. Allele origin: germline. Affected: yes.
Comment: This variant is classified as Pathogenic. Evidence in support of pathogenic classification: Variant is absent from gnomAD (v2, v3 and v4); This variant has strong previous evidence of pathogenicity in unrelated individuals. This variant has been classified as pathogenic by multiple clinical laboratories in ClinVar, and has been reported in the literature in individuals with Costello syndrome (PMID: 28371260); Variant is located in a hotspot region or cluster of pathogenic variants (DECIPHER); Missense variant predicted to be damaging by in silico tool(s) or highly conserved with a major amino acid change; Additional information: Variant is predicted to result in a missense amino acid change from glycine to aspartic acid; This variant is heterozygous; This gene is associated with autosomal dominant disease; Alternative amino acid change(s) at the same position are present in gnomAD (Highest allele count: v4: 1 heterozygote(s), 0 homozygote(s)) ; Gain of function is a known mechanism of disease in this gene and is associated with Costello syndrome (MIM#218040) (PMID: 31222966); Variants in this gene are known to have variable expressivity (PMID: 20301680).

3billion
Classification: Pathogenic for Costello syndrome. Last evaluated: 2025-05-26. Review status: criteria provided, single submitter. Criteria: ACMG Guidelines, 2015. Collection method: clinical testing. Allele origin: germline. Affected: yes.
Comment: The variant is not observed in the gnomAD v4.1.0 dataset. Predicted Consequence/Location: The variant is located in a mutational hot spot and/or well-established functional domain in which established pathogenic variants have been reported (PMID: 29493581). Missense variant. Missense changes are a common disease-causing mechanism. In silico tool predictions suggest damaging effect of the variant on gene or gene product [REVEL: 0.74 (>=0.6, sensitivity 0.68 and specificity 0.92); 3Cnet: 0.99 (> 0.75, sensitivity 0.96 and precision 0.92)]. The same nucleotide change resulting in the same amino acid change has been previously reported as pathogenic/likely pathogenic with strong evidence (ClinVar ID: VCV000012604 /PMID: 16170316). Different missense changes at the same codon (p.Gly13Arg, p.Gly13Cys, p.Gly13Ser, p.Gly13Val) have been reported as pathogenic/likely pathogenic with strong evidence (ClinVar ID: VCV000012606, VCV000035554, VCV000180848, VCV000376323 /PMID: 16372351, 32732226, 33027564, 35794250 /3billion dataset). Therefore, this variant is classified as Pathogenic according to the recommendation of ACMG/AMP guideline.

PreventionGenetics, part of Exact Sciences
Classification: Pathogenic for HRAS-related condition. Last evaluated: 2025-03-19. Review status: criteria provided, single submitter. Criteria: ACMG Guidelines, 2015. Collection method: clinical testing. Allele origin: germline.
Comment: The HRAS c.38G>A variant is predicted to result in the amino acid substitution p.Gly13Asp. This variant has been reported to be causative for Costello syndrome (see for example - Aoki et al. 2005. PubMed ID: 16170316; Takahashi and Ohashi. 2013. PubMed ID: 23751039; Bertola et al. 2017. PubMed ID: 28371260). Additionally, multiple missense variants affecting the same amino acid (p.Gly13Arg, p.Gly13Cys, p.Gly13Val) have been reported to be associated with Costello syndrome (Sparks et al. 2020. PubMed ID: 33027564; Estep et al. 2006. PubMed ID: 16372351; Lefebvre et al. 2021. PubMed ID: 32732226). This variant has not been reported in a large population database, indicating this variant is rare. This variant is interpreted as pathogenic.

Institute for Genomic Medicine (IGM) Clinical Laboratory, Nationwide Children's Hospital
Classification: Tier I - Strong for Embryonal rhabdomyosarcoma. Assertion type: diagnostic. Clinical significance: supports diagnosis. Last evaluated: 2024-11-07. Review status: criteria provided, single submitter. Criteria: AMP/ASCO/CAP Guidelines, 2017. Collection method: clinical testing. Allele origin: somatic. Affected: yes.
Comment: Variant has Tier I (strong) clinical significance as a diagnostic inclusion criterion in embryonal rhabdomyosarcoma, based on the following evidence: 1) Documented in one or more cancer databases (e.g., St. Jude Pecan, COSMIC, CIViC, OncoKB). 2) Appears in one or more well-established professional guidelines (e.g., World Health Organization [WHO]; National Comprehensive Cancer Network [NCCN]) as providing diagnostic, prognostic, or therapeutic information. 3) Diagnostic for a specific tumor type/classification based on well-powered studies with expert-level consensus (Evidence Level B; PMID: 24436047).